The following is an entry in ClinVar:

NM_001165963.4(SCN1A):c.1727G>A (p.Ser576Asn)

Gene: SCN1A (sodium voltage-gated channel alpha subunit 1; minus strand). Cytogenetic location: 2q24.3.
Variant type: single nucleotide variant.
Coding change: c.1727G>A on transcript NM_001165963.4 (MANE Select); coding-DNA position 1727, G replaced by A.
Protein change: p.Ser576Asn; replaces serine 576 with asparagine.
Molecular consequence: missense variant. On other transcripts: 5 prime UTR variant (1), non-coding transcript variant (1).
Genome position (GRCh38, 1-based): chr2:166,043,985, C>T on the plus strand (G>A on the coding strand, the complement: SCN1A is on the minus strand). VCF-style: chr2-166043985-C-T. GRCh37 (hg19) VCF-style: chr2-166900495-C-T.
Other names: c.1727G>A, p.Ser576Asn (NM_001165964.3, NM_001202435.3, NM_001353948.2 and 7 more transcripts); c.1724G>A, p.Ser575Asn (NM_001353954.2, NM_001353955.2, NM_001353960.2); c.-699G>A (NM_001353961.2); short protein forms S575N, S576N.
Identifiers: ClinVar variation 1699414 (VCV001699414.6), dbSNP rs1697492585, ClinGen allele CA349067918.
Genomic context (GRCh38, chr2:166,043,985, plus strand): 5'-CTGTGCTCATCATCTGCGAAGTCGTTCTCAGATCCCACATCCTTTGCTCGCCCTCTAAAG[C>T]TGAAAAGGCTTGTTCTGCTATTTCGCCTTGGTGAAAATAGGGAGCCACGGATGCTCAACA-3'
Protein context (NP_001159435.1, residues 566-586): PRRNSRTSLF[Ser576Asn]FRGRAKDVGS

ClinVar aggregate classification (germline): Uncertain significance. Review status: criteria provided, multiple submitters, no conflicts (2 of 4 stars). 2 submissions from 2 submitters: Uncertain significance (2). Last evaluated 2023-09-11.

Conditions:
Early-infantile DEE. Also called: Early infantile epileptic encephalopathy; Ohtahara syndrome; Early infantile epileptic encephalopathy with suppression bursts. Identifiers: Orphanet 1934, MedGen C0393706, MONDO:0800491.
Developmental and epileptic encephalopathy, 6A. Also called: SCN1A-Related Severe Myoclonic Epilepsy in Infancy; Developmental and epileptic encephalopathy, 6; Early Infantile Epileptic Encephalopathy 6. Identifiers: MedGen CN293401, MONDO:0100079.

Allele frequency attached by ClinVar (database versions not stated): TOPMed below 0.00001.

Submissions (2):

Labcorp Genetics (formerly Invitae), Labcorp
Classification: Uncertain significance for Early-infantile DEE. Last evaluated: 2023-09-11. Review status: criteria provided, single submitter. Criteria: Invitae Variant Classification Sherloc (09022015). Collection method: clinical testing. Allele origin: germline.
Comment: In summary, the available evidence is currently insufficient to determine the role of this variant in disease. Therefore, it has been classified as a Variant of Uncertain Significance. Advanced modeling of protein sequence and biophysical properties (such as structural, functional, and spatial information, amino acid conservation, physicochemical variation, residue mobility, and thermodynamic stability) has been performed at Invitae for this missense variant, however the output from this modeling did not meet the statistical confidence thresholds required to predict the impact of this variant on SCN1A protein function. ClinVar contains an entry for this variant (Variation ID: 1699414). This variant has not been reported in the literature in individuals affected with SCN1A-related conditions. This variant is not present in population databases (gnomAD no frequency). This sequence change replaces serine, which is neutral and polar, with asparagine, which is neutral and polar, at codon 576 of the SCN1A protein (p.Ser576Asn).

Victorian Clinical Genetics Services, Murdoch Childrens Research Institute
Classification: Uncertain significance for Developmental and epileptic encephalopathy, 6A. Last evaluated: 2020-05-21. Review status: criteria provided, single submitter. Criteria: ACMG Guidelines, 2015. Collection method: clinical testing. Allele origin: germline. Inheritance: Autosomal dominant inheritance. Affected: yes.
Comment: A heterozygous missense variant was identified, NM_001165963.2(SCN1A):c.1727G>A in exon 14 of 29 of the SCN1A gene (NB: This variant is non-coding in one alternative transcript). This substitution is predicted to create a minor amino acid change from serine to asparagine at position 576 of the protein, NP_001159435.1(SCN1A):p.(Ser576Asn). The serine at this position has very high conservation (100 vertebrates, UCSC), and is located within the cytoplasmic domain of voltage-gated Na+ ion channel. In silico software predictions of the pathogenicity of this variant are conflicting (Polyphen, SIFT, CADD, Mutation Taster). The variant is not present in the gnomAD population database. The variant has not been previously reported in clinical cases. Based on information available at the time of curation, this variant has been classified as a VARIANT of UNCERTAIN SIGNIFICANCE (VUS).